The following is an entry in ClinVar:

NM_002224.4(ITPR3):c.6082G>C (p.Val2028Leu)

Gene: ITPR3 (inositol 1,4,5-trisphosphate receptor type 3; plus strand). Cytogenetic location: 6p21.31.
Variant type: single nucleotide variant.
Coding change: c.6082G>C on transcript NM_002224.4 (MANE Select); coding-DNA position 6082, G replaced by C.
Protein change: p.Val2028Leu; replaces valine 2028 with leucine.
Molecular consequence: missense variant.
Genome position (GRCh38, 1-based): chr6:33,687,232, G>C. VCF-style: chr6-33687232-G-C. GRCh37 (hg19) VCF-style: chr6-33655009-G-C.
Other names: short protein forms V2028L.
Identifiers: ClinVar variation 3111804 (VCV003111804.3), dbSNP rs370524230, ClinGen allele CA137156371.
Genomic context (GRCh38, chr6:33,687,232, plus strand): 5'-GGCTGGCCCTACCGCCCTAGGAAGAGAGCATTGGAACAGGCACTGCCCCTCCAGGTGGAC[G>C]TCATCAAGAAGGCCTACCTGCAGGAGGAAGAGCGTGAGAACTCGGAGGTGAGCCCACGTG-3'
Protein context (NP_002215.2, residues 2018-2038): ISLRPQELVD[Val2028Leu]IKKAYLQEEE

ClinVar aggregate classification (germline): Uncertain significance. Review status: criteria provided, multiple submitters, no conflicts (2 of 4 stars). 2 submissions from 2 submitters: Uncertain significance (2). Last evaluated 2025-11-25.

gnomAD v4.1: 19 of 1,612,258 alleles (0.0012%); highest among the groups gnomAD compares: Admixed American, 0.023%; no homozygotes.

Submissions (2):

Ambry Genetics
Classification: Uncertain significance. Last evaluated: 2025-11-25. Review status: criteria provided, single submitter. Criteria: Ambry Variant Classification Scheme 2023. Collection method: clinical testing. Allele origin: germline.

GeneDx
Classification: Uncertain significance. Last evaluated: 2025-06-26. Review status: criteria provided, single submitter. Criteria: GeneDx Variant Classification Process June 2021. Collection method: clinical testing. Allele origin: germline. Affected: yes.
Comment: In silico analysis supports that this missense variant has a deleterious effect on protein structure/function; Has not been previously published as pathogenic or benign to our knowledge